The following is an entry in ClinVar:

NM_015338.6(ASXL1):c.1513G>C (p.Asp505His)

Gene: ASXL1 (ASXL transcriptional regulator 1; plus strand). Cytogenetic location: 20q11.21.
Variant type: single nucleotide variant.
Coding change: c.1513G>C on transcript NM_015338.6 (MANE Select); coding-DNA position 1513, G replaced by C.
Protein change: p.Asp505His; replaces aspartic acid 505 with histidine.
Molecular consequence: missense variant.
Genome position (GRCh38, 1-based): chr20:32,433,711, G>C. VCF-style: chr20-32433711-G-C. GRCh37 (hg19) VCF-style: chr20-31021514-G-C.
Other names: c.1330G>C, p.Asp444His (NM_001363734.1); short protein forms D505H, D444H.
Identifiers: ClinVar variation 3793334 (VCV003793334.1).

ClinVar aggregate classification (germline): Uncertain significance (1 of 4 stars; one submission).

Conditions:
Inborn genetic diseases. Identifiers: MedGen C0950123, MeSH D030342.

gnomAD v4.1: 2 of 1,612,922 alleles (0.00012%); highest among the groups gnomAD compares: African/African-American, 0.0013%; no homozygotes.

Submission:

Ambry Genetics
Classification: Uncertain significance for Inborn genetic diseases. Last evaluated: 2025-02-08. Review status: criteria provided, single submitter. Criteria: Ambry Variant Classification Scheme 2023. Collection method: clinical testing. Allele origin: germline.
Comment: The p.D505H variant (also known as c.1513G>C), located in coding exon 12 of the ASXL1 gene, results from a G to C substitution at nucleotide position 1513. The aspartic acid at codon 505 is replaced by histidine, an amino acid with similar properties. This amino acid position is conserved. In addition, this alteration is predicted to be tolerated by in silico analysis. Based on the available evidence, the clinical significance of this variant remains unclear.